The following is an entry in ClinVar:

ClinVar aggregate classification (germline): Uncertain significance (1 of 4 stars; one submission).

Conditions:
Candidiasis, familial, 9 (CANDF9). Identifiers: Orphanet 1334, MedGen C4225324, MONDO:0014642, OMIM 616445.

Allele frequency attached by ClinVar (database versions not stated): gnomAD exomes below 0.00001 and 0.00001.
gnomAD v4.1: 4 of 1,614,180 alleles (0.00025%); highest among the groups gnomAD compares: South Asian, 0.0044%; no homozygotes.

Submission:

Labcorp Genetics (formerly Invitae), Labcorp
Classification: Uncertain significance for Candidiasis, familial, 9. Last evaluated: 2020-06-24. Review status: criteria provided, single submitter. Criteria: Invitae Variant Classification Sherloc (09022015). Collection method: clinical testing. Allele origin: germline.
Comment: This sequence change replaces proline with serine at codon 35 of the IL17RC protein (p.Pro35Ser). The proline residue is moderately conserved and there is a moderate physicochemical difference between proline and serine. This variant is not present in population databases (ExAC no frequency). This variant has not been reported in the literature in individuals with IL17RC-related conditions. Algorithms developed to predict the effect of missense changes on protein structure and function are either unavailable or do not agree on the potential impact of this missense change (SIFT: Tolerated; PolyPhen-2: Possibly Damaging; Align-GVGD: Class C0). In summary, the available evidence is currently insufficient to determine the role of this variant in disease. Therefore, it has been classified as a Variant of Uncertain Significance.

NM_153460.4(IL17RC):c.103C>T (p.Pro35Ser)

Gene: IL17RC (interleukin 17 receptor C; plus strand). Cytogenetic location: 3p25.3.
Variant type: single nucleotide variant.
Coding change: c.103C>T on transcript NM_153460.4 (MANE Select); coding-DNA position 103, C replaced by T.
Protein change: p.Pro35Ser; replaces proline 35 with serine.
Molecular consequence: missense variant. On other transcripts: non-coding transcript variant (1).
Genome position (GRCh38, 1-based): chr3:9,917,418, C>T. VCF-style: chr3-9917418-C-T. GRCh37 (hg19) VCF-style: chr3-9959102-C-T.
Other names: c.103C>T, p.Pro35Ser (NM_001367278.1, NM_001367279.1, NM_001367280.1 and 5 more transcripts); short protein forms P35S.
Identifiers: ClinVar variation 1045516 (VCV001045516.1), dbSNP rs1190758888, ClinGen allele CA351753268.
Genomic context (GRCh38, chr3:9,917,418, plus strand): 5'-AGCCCAGTGGTCCTTTCTCTGGAGAGGCTTGTGGGGCCTCAGGACGCTACCCACTGCTCT[C>T]CGGTGAGTCTGGAACCCTGGGGAGACGAGGAAAGGCTCAGGGTTCAGTTTTTGGCTCAGC-3'
Protein context (NP_703190.2, residues 25-45): VGPQDATHCS[Pro35Ser]GLSCRLWDSD